The following is an entry in ClinVar:

ClinVar aggregate classification (germline): Uncertain significance (1 of 4 stars; one submission).

Conditions:
Dilated cardiomyopathy 1W (CMD1W). Identifiers: Orphanet 154, MedGen C1969639, MONDO:0012667, OMIM 611407.

Submission:

Labcorp Genetics (formerly Invitae), Labcorp
Classification: Uncertain significance for Dilated cardiomyopathy 1W. Last evaluated: 2025-02-12. Review status: criteria provided, single submitter. Criteria: Invitae Variant Classification Sherloc (09022015). Collection method: clinical testing. Allele origin: germline.
Comment: This sequence change replaces threonine, which is neutral and polar, with isoleucine, which is neutral and non-polar, at codon 672 of the VCL protein (p.Thr672Ile). This variant is not present in population databases (gnomAD no frequency). This variant has not been reported in the literature in individuals affected with VCL-related conditions. An algorithm developed to predict the effect of missense changes on protein structure and function (PolyPhen-2) suggests that this variant is likely to be disruptive. In summary, the available evidence is currently insufficient to determine the role of this variant in disease. Therefore, it has been classified as a Variant of Uncertain Significance.

NM_014000.3(VCL):c.2015C>T (p.Thr672Ile)

Gene: VCL (vinculin; plus strand). Cytogenetic location: 10q22.2.
Variant type: single nucleotide variant.
Coding change: c.2015C>T on transcript NM_014000.3 (MANE Select); coding-DNA position 2015, C replaced by T.
Protein change: p.Thr672Ile; replaces threonine 672 with isoleucine.
Molecular consequence: missense variant.
Genome position (GRCh38, 1-based): chr10:74,101,090, C>T. VCF-style: chr10-74101090-C-T. GRCh37 (hg19) VCF-style: chr10-75860848-C-T.
Other names: c.2015C>T, p.Thr672Ile (NM_003373.4); short protein forms T672I.
Identifiers: ClinVar variation 4770634 (VCV004770634.1).